The following is an entry in ClinVar:

NM_000551.4(VHL):c.146G>T (p.Gly49Val)

Gene: VHL (von Hippel-Lindau tumor suppressor; plus strand). Cytogenetic location: 3p25.3.
Variant type: single nucleotide variant.
Coding change: c.146G>T on transcript NM_000551.4 (MANE Select); coding-DNA position 146, G replaced by T.
Protein change: p.Gly49Val; replaces glycine 49 with valine.
Molecular consequence: missense variant.
Genome position (GRCh38, 1-based): chr3:10,141,993, G>T. VCF-style: chr3-10141993-G-T. GRCh37 (hg19) VCF-style: chr3-10183677-G-T.
Other names: c.146G>T, p.Gly49Val (NM_001354723.2, NM_198156.3); c.146G>T (NM_000551.3); short protein forms G49V.
Identifiers: ClinVar variation 1018990 (VCV001018990.10), dbSNP rs1252338161, ClinGen allele CA351748222.

ClinVar aggregate classification (germline): Conflicting classifications of pathogenicity. Review status: criteria provided, conflicting classifications (1 of 4 stars). 2 submissions from 2 submitters: Uncertain significance (1); Likely benign (1). Last evaluated 2026-08-07.

Conditions:
Hereditary cancer-predisposing syndrome. Also called: Tumor predisposition; Hereditary Cancer Syndrome; Hereditary neoplastic syndrome; Neoplastic Syndromes, Hereditary. Identifiers: Orphanet 140162, MedGen C0027672, MeSH D009386, MONDO:0015356.
Chuvash polycythemia. Also called: POLYCYTHEMIA, VHL-DEPENDENT. Identifiers: Orphanet 238557, MedGen C1837915, MONDO:0009892, OMIM 263400.
Von Hippel-Lindau syndrome (VHLS). Also called: von Hippel–Lindau syndrome; VHL syndrome; Von Hippel-Lindau. Identifiers: Orphanet 892, MedGen C0019562, MONDO:0008667, OMIM 193300. Disease mechanism: loss of function.

gnomAD v4.1: 1 of 1,575,338 alleles (0.000063%); no homozygotes.

Submissions (2):

Ambry Genetics
Classification: Likely benign for Hereditary cancer-predisposing syndrome. Last evaluated: 2026-08-07. Review status: criteria provided, single submitter. Criteria: Ambry Variant Classification Scheme 2023. Collection method: clinical testing. Allele origin: germline.

Labcorp Genetics (formerly Invitae), Labcorp
Classification: Uncertain significance for Von Hippel-Lindau syndrome; Chuvash polycythemia. Last evaluated: 2026-01-05. Review status: criteria provided, single submitter. Criteria: Invitae Variant Classification Sherloc (09022015). Collection method: clinical testing. Allele origin: germline.
Comment: This sequence change replaces glycine, which is neutral and non-polar, with valine, which is neutral and non-polar, at codon 49 of the VHL protein (p.Gly49Val). This variant is not present in population databases (gnomAD no frequency). This variant has not been reported in the literature in individuals affected with VHL-related conditions. ClinVar contains an entry for this variant (Variation ID: 1018990). Invitae Evidence Modeling of protein sequence and biophysical properties (such as structural, functional, and spatial information, amino acid conservation, physicochemical variation, residue mobility, and thermodynamic stability) has been performed for this missense variant. However, the output from this modeling did not meet the statistical confidence thresholds required to predict the impact of this variant on VHL protein function. In summary, the available evidence is currently insufficient to determine the role of this variant in disease. Therefore, it has been classified as a Variant of Uncertain Significance.

Literature cited by the submitters: PubMed 38969834 (cited by Ambry Genetics).